The following is an entry in ClinVar:

ClinVar aggregate classification (germline): Benign. Review status: criteria provided, multiple submitters, no conflicts (2 of 4 stars). 7 submissions from 6 submitters: Benign (4). 3 of the submissions do not count toward it. Last evaluated 2026-02-02.

Conditions:
Bardet-Biedl syndrome 8 (BBS8). Identifiers: Orphanet 110, MedGen C1859566, MONDO:0014436, OMIM 615985.
Retinitis pigmentosa (RP). Identifiers: Orphanet 791, MedGen C0035334, MeSH D012174, MONDO:0019200, OMIM 268000. Inheritance: Autosomal dominant, autosomal recessive and X linked inheritance.
Bardet-Biedl syndrome (BBS). Identifiers: Orphanet 110, MedGen C0752166, MONDO:0015229.

Allele frequency attached by ClinVar (database versions not stated): gnomAD exomes 0.00324 and 0.00866; ExAC 0.01115; gnomAD 0.03382 and 0.03653; 1000 Genomes Project 0.03514; ESP Exome Variant Server 0.03776; TOPMed 0.03778; 1000 Genomes Project 30x 0.03795.
gnomAD v4.1: 10,015 of 1,606,928 alleles (0.62%); highest among the groups gnomAD compares: African/African-American, 12%; 560 homozygotes.

Submissions (7):

Labcorp Genetics (formerly Invitae), Labcorp
Classification: Benign for Bardet-Biedl syndrome. Last evaluated: 2026-02-02. Review status: criteria provided, single submitter. Criteria: Invitae Variant Classification Sherloc (09022015). Collection method: clinical testing. Allele origin: germline.

Illumina Laboratory Services, Illumina
Classification: Benign for Retinitis pigmentosa. Last evaluated: 2018-01-13. Review status: criteria provided, single submitter. Criteria: ICSL Variant Classification Criteria 13 December 2019. Collection method: clinical testing. Allele origin: germline.
Comment: This variant was observed in the ICSL laboratory as part of a predisposition screen in an ostensibly healthy population. It had not been previously curated by ICSL or reported in the Human Gene Mutation Database (HGMD: prior to June 1st, 2018), and was therefore a candidate for classification through an automated scoring system. Utilizing variant allele frequency, disease prevalence and penetrance estimates, and inheritance mode, an automated score was calculated to assess if this variant is too frequent to cause the disease. Based on the score and internal cut-off values, a variant classified as benign is not then subjected to further curation. The score for this variant resulted in a classification of benign for this disease.

Illumina Laboratory Services, Illumina
Classification: Benign for Bardet-Biedl syndrome 8. Last evaluated: 2018-01-13. Review status: criteria provided, single submitter. Criteria: ICSL Variant Classification Criteria 13 December 2019. Collection method: clinical testing. Allele origin: germline.
Comment: the same text as in the submission from Illumina Laboratory Services, Illumina above.

PreventionGenetics, part of Exact Sciences
Classification: Benign. Review status: criteria provided, single submitter. Criteria: ACMG Guidelines, 2015. Collection method: clinical testing. Allele origin: germline.

Clinical Genetics DNA and cytogenetics Diagnostics Lab, Erasmus MC, Erasmus Medical Center
Classification: Benign. Review status: no assertion criteria provided. Collection method: clinical testing. Allele origin: germline. Affected: yes. Study: VKGL Data-share Consensus. Not counted in ClinVar's aggregate classification.

Genome Diagnostics Laboratory, Amsterdam University Medical Center
Classification: Benign. Review status: no assertion criteria provided. Collection method: clinical testing. Allele origin: germline. Affected: yes. Study: VKGL Data-share Consensus. Not counted in ClinVar's aggregate classification.

Genome Diagnostics Laboratory, University Medical Center Utrecht
Classification: Benign. Review status: no assertion criteria provided. Collection method: clinical testing. Allele origin: germline. Affected: yes. Study: VKGL Data-share Consensus. Not counted in ClinVar's aggregate classification.

NM_144596.4(TTC8):c.1432-12T>C

Gene: TTC8 (tetratricopeptide repeat domain 8; plus strand). Cytogenetic location: 14q31.3.
Variant type: single nucleotide variant.
Coding change: c.1432-12T>C on transcript NM_144596.4 (MANE Select); 12 bases into the intron before coding-DNA position 1432, T replaced by C.
Molecular consequence: intron variant.
Genome position (GRCh38, 1-based): chr14:88,877,282, T>C. VCF-style: chr14-88877282-T-C. GRCh37 (hg19) VCF-style: chr14-89343626-T-C.
Other names: c.838-12T>C (NM_001288782.1); c.1480-12T>C (NM_001288781.1); c.1402-12T>C (NM_198309.3); c.715-12T>C (NM_001288783.1); c.1312-12T>C (NM_198310.3); c.1318-12T>C (NM_001366535.2); c.1228-12T>C (NM_001366536.2).
Identifiers: ClinVar variation 262514 (VCV000262514.17), dbSNP rs79747892, ClinGen allele CA7302776.